The following is an entry in ClinVar:

NM_017617.5(NOTCH1):c.2498G>A (p.Cys833Tyr)

Gene: NOTCH1 (notch receptor 1; minus strand). Cytogenetic location: 9q34.3.
Variant type: single nucleotide variant.
Coding change: c.2498G>A on transcript NM_017617.5 (MANE Select); coding-DNA position 2498, G replaced by A.
Protein change: p.Cys833Tyr; replaces cysteine 833 with tyrosine.
Molecular consequence: missense variant.
Genome position (GRCh38, 1-based): chr9:136,511,241, C>T on the plus strand (G>A on the coding strand, the complement: NOTCH1 is on the minus strand). VCF-style: chr9-136511241-C-T. GRCh37 (hg19) VCF-style: chr9-139405693-C-T.
Other names: short protein forms C833Y.
Identifiers: ClinVar variation 1792151 (VCV001792151.3), dbSNP rs2133354891, ClinGen allele CA375555492.

ClinVar aggregate classification (germline): Uncertain significance. Review status: criteria provided, multiple submitters, no conflicts (2 of 4 stars). 2 submissions from 2 submitters: Uncertain significance (2). Last evaluated 2023-02-03.

Conditions:
Familial thoracic aortic aneurysm and aortic dissection (TAAD). Also called: Thoracic aortic aneurysms and dissections. Identifiers: Orphanet 91387, MedGen C4707243, MONDO:0019625.

Allele frequency attached by ClinVar (database versions not stated): gnomAD exomes below 0.00001.
gnomAD v4.1: 1 of 1,612,594 alleles (0.000062%); highest among the groups gnomAD compares: Non-Finnish European, 0.000085%; no homozygotes.

Submissions (2):

GeneDx
Classification: Uncertain significance. Last evaluated: 2023-02-03. Review status: criteria provided, single submitter. Criteria: GeneDx Variant Classification Process June 2021. Collection method: clinical testing. Allele origin: germline. Affected: yes.
Comment: Not observed at significant frequency in large population cohorts (gnomAD); In silico analysis supports that this missense variant has a deleterious effect on protein structure/function; Has not been previously published as pathogenic or benign to our knowledge

Ambry Genetics
Classification: Uncertain significance for Familial thoracic aortic aneurysm and aortic dissection. Last evaluated: 2022-09-12. Review status: criteria provided, single submitter. Criteria: Ambry Variant Classification Scheme 2023. Collection method: clinical testing. Allele origin: germline.
Comment: The p.C833Y variant (also known as c.2498G>A), located in coding exon 16 of the NOTCH1 gene, results from a G to A substitution at nucleotide position 2498. The cysteine at codon 833 is replaced by tyrosine, an amino acid with highly dissimilar properties. This amino acid position is conserved. In addition, this alteration is predicted to be deleterious by in silico analysis. Since supporting evidence is limited at this time, the clinical significance of this alteration remains unclear.